The following is an entry in ClinVar:

ClinVar aggregate classification (germline): Likely benign (1 of 4 stars; one submission).

Conditions:
ALMS1-related disorder. Also called: ALMS1-related condition.

Submission:

PreventionGenetics, part of Exact Sciences
Classification: Likely benign for ALMS1-related condition. Last evaluated: 2026-03-12. Review status: criteria provided, single submitter. Criteria: ACMG Guidelines, 2015. Collection method: clinical testing. Allele origin: germline.
Comment: This variant is classified as likely benign based on ACMG/AMP sequence variant interpretation guidelines (Richards et al. 2015 PMID: 25741868, with internal and published modifications).

NM_001378454.1(ALMS1):c.3612G>A (p.Gln1204=)

Gene: ALMS1 (ALMS1 centrosome and basal body associated protein; plus strand). Cytogenetic location: 2p13.1.
Variant type: single nucleotide variant.
Coding change: c.3612G>A on transcript NM_001378454.1 (MANE Select); coding-DNA position 3612, G replaced by A.
Protein change: p.Gln1204=; no amino-acid change (glutamine 1204 retained).
Molecular consequence: synonymous variant.
Genome position (GRCh38, 1-based): chr2:73,450,139, G>A. VCF-style: chr2-73450139-G-A. GRCh37 (hg19) VCF-style: chr2-73677266-G-A.
Other names: c.3615G>A, p.Gln1205= (NM_015120.4).
Identifiers: ClinVar variation 4992604 (VCV004992604.1).
Genomic context (GRCh38, chr2:73,450,139, plus strand): 5'-ACCAAGAGTACTTTCTACCTTCTACTCACAAAGAGAGAAACCTGGTATTTTCTATCAACA[G>A]ACCTTGCCAGGTAGTCACATACCTGAAGAGGCACAGAAAGTTTCACCTGTTCTTGGACCA-3'
Protein context (NP_001365383.1, residues 1194-1214): QREKPGIFYQ[Gln1204=]TLPGSHIPEE